The following is an entry in ClinVar:

NM_001129820.2(SLFN14):c.447T>C (p.Leu149=)

Gene: SLFN14 (schlafen family member 14; minus strand). Cytogenetic location: 17q12.
Variant type: single nucleotide variant.
Coding change: c.447T>C on transcript NM_001129820.2 (MANE Select); coding-DNA position 447, T replaced by C.
Protein change: p.Leu149=; no amino-acid change (leucine 149 retained).
Molecular consequence: synonymous variant.
Genome position (GRCh38, 1-based): chr17:35,557,616, A>G on the plus strand (T>C on the coding strand, the complement: SLFN14 is on the minus strand). VCF-style: chr17-35557616-A-G. GRCh37 (hg19) VCF-style: chr17-33884635-A-G.
Other names: p.Leu149=.
Identifiers: ClinVar variation 4684199 (VCV004684199.1).

ClinVar aggregate classification (germline): Likely benign (1 of 4 stars; one submission).

gnomAD v4.1: 13 of 1,551,568 alleles (0.00084%); highest among the groups gnomAD compares: Admixed American, 0.024%; no homozygotes.

Submission:

Mayo Clinic Laboratories, Mayo Clinic
Classification: Likely benign. Last evaluated: 2024-11-12. Review status: criteria provided, single submitter. Criteria: ACMG Guidelines, 2015. Collection method: clinical testing. Allele origin: germline. Observed: 1 variant allele.
Comment: BP4, BP7